The following is an entry in ClinVar:

ClinVar aggregate classification (germline): Uncertain significance. Review status: criteria provided, multiple submitters, no conflicts (2 of 4 stars). 2 submissions from 2 submitters: Uncertain significance (2). Last evaluated 2026-04-13.

Conditions:
Cardiovascular phenotype. Identifiers: MedGen CN230736.

gnomAD v4.1: 2 of 1,608,842 alleles (0.00012%); highest among the groups gnomAD compares: Non-Finnish European, 0.00017%; no homozygotes.

Submissions (2):

Women's Health and Genetics/Laboratory Corporation of America, LabCorp
Classification: Uncertain significance. Last evaluated: 2026-04-13. Review status: criteria provided, single submitter. Criteria: LabCorp Variant Classification Summary - May 2015. Collection method: clinical testing. Allele origin: germline.
Comment: Variant summary: TNXB c.2611G>A (p.Val871Met) results in a conservative amino acid change in the encoded protein sequence. Algorithms developed to predict the effect of missense changes on protein structure and function all suggest that this variant is likely to be tolerated. The variant allele was found at a frequency of 4.1e-06 in 241158 control chromosomes. The available data on variant occurrences in the general population are insufficient to allow any conclusion about variant significance. To our knowledge, no occurrence of c.2611G>A in individuals affected with TNXB-related conditions and no experimental evidence demonstrating its impact on protein function have been reported. ClinVar contains an entry for this variant (Variation ID: 3459792). Based on the evidence outlined above, the variant was classified as uncertain significance.

Ambry Genetics
Classification: Uncertain significance for Cardiovascular phenotype. Last evaluated: 2024-09-11. Review status: criteria provided, single submitter. Criteria: Ambry Variant Classification Scheme 2023. Collection method: clinical testing. Allele origin: germline.
Comment: The p.V871M variant (also known as c.2611G>A), located in coding exon 5 of the TNXB gene, results from a G to A substitution at nucleotide position 2611. The valine at codon 871 is replaced by methionine, an amino acid with highly similar properties. This amino acid position is conserved. In addition, this alteration is predicted to be tolerated by in silico analysis. Based on the available evidence, the clinical significance of this variant remains unclear.

NM_001365276.2(TNXB):c.2611G>A (p.Val871Met)

Gene: TNXB (tenascin XB; minus strand). Cytogenetic location: 6p21.33.
Variant type: single nucleotide variant.
Coding change: c.2611G>A on transcript NM_001365276.2 (MANE Select); coding-DNA position 2611, G replaced by A.
Protein change: p.Val871Met; replaces valine 871 with methionine.
Molecular consequence: missense variant.
Genome position (GRCh38, 1-based): chr6:32,088,953, C>T on the plus strand (G>A on the coding strand, the complement: TNXB is on the minus strand). VCF-style: chr6-32088953-C-T. GRCh37 (hg19) VCF-style: chr6-32056730-C-T.
Other names: c.2611G>A, p.Val871Met (NM_001428335.1, NM_019105.8); short protein forms V871M.
Identifiers: ClinVar variation 3459792 (VCV003459792.2).